The following is an entry in ClinVar:

ClinVar aggregate classification (germline): Uncertain significance (1 of 4 stars; one submission).

Submission:

Ambry Genetics
Classification: Uncertain significance. Last evaluated: 2026-04-13. Review status: criteria provided, single submitter. Criteria: Ambry Variant Classification Scheme 2023. Collection method: clinical testing. Allele origin: germline.
Comment: The p.T2051I variant (also known as c.6152C>T), located in coding exon 25 of the WNK2 gene, results from a C to T substitution at nucleotide position 6152. The threonine at codon 2051 is replaced by isoleucine, an amino acid with similar properties. This amino acid position is conserved. In addition, the in silico prediction for this alteration is inconclusive. Based on the available evidence, the clinical significance of this variant remains unclear.

NM_006648.4(WNK2):c.6152C>T (p.Thr2051Ile)

Gene: WNK2 (WNK lysine deficient protein kinase 2; plus strand). Cytogenetic location: 9q22.31.
Variant type: single nucleotide variant.
Coding change: c.6152C>T on transcript NM_006648.4 (MANE Select); coding-DNA position 6152, C replaced by T.
Protein change: p.Thr2051Ile; replaces threonine 2051 with isoleucine.
Molecular consequence: missense variant.
Genome position (GRCh38, 1-based): chr9:93,300,087, C>T. VCF-style: chr9-93300087-C-T. GRCh37 (hg19) VCF-style: chr9-96062369-C-T.
Other names: c.6263C>T, p.Thr2088Ile (NM_001282394.3); short protein forms T2051I, T2088I.
Identifiers: ClinVar variation 4866593 (VCV004866593.1).
Genomic context (GRCh38, chr9:93,300,087, plus strand): 5'-TCTTCCCTTTATATTCATTTGCAGGCTGGACGGTTTACCACCCAACGTCTGAGAGAGTGA[C>T]CTATAAGTCTAGTAGCAAACCTCGTGCTCGATTCCTCAGTGGACCCGTATCTGTGTCCAT-3'
Protein context (NP_006639.3, residues 2041-2061): TVYHPTSERV[Thr2051Ile]YKSSSKPRAR